The following is an entry in ClinVar:

ClinVar aggregate classification (germline): Uncertain significance. Review status: criteria provided, multiple submitters, no conflicts (2 of 4 stars). 2 submissions from 2 submitters: Uncertain significance (2). Last evaluated 2025-07-14.

Conditions:
Bardet-Biedl syndrome (BBS). Identifiers: Orphanet 110, MedGen C0752166, MONDO:0015229.
Inborn genetic diseases. Identifiers: MedGen C0950123, MeSH D030342.

Allele frequency attached by ClinVar (database versions not stated): gnomAD 0.00001; TOPMed 0.00001; ExAC 0.00002; ESP Exome Variant Server 0.00008.
gnomAD v4.1: 6 of 1,614,108 alleles (0.00037%); highest among the groups gnomAD compares: African/African-American, 0.0013%; no homozygotes.

Submissions (2):

Labcorp Genetics (formerly Invitae), Labcorp
Classification: Uncertain significance for Bardet-Biedl syndrome. Last evaluated: 2025-07-14. Review status: criteria provided, single submitter. Criteria: Invitae Variant Classification Sherloc (09022015). Collection method: clinical testing. Allele origin: germline.
Comment: This sequence change replaces threonine, which is neutral and polar, with proline, which is neutral and non-polar, at codon 183 of the BBS12 protein (p.Thr183Pro). This variant is present in population databases (rs142330664, gnomAD 0.0009%). This variant has not been reported in the literature in individuals affected with BBS12-related conditions. ClinVar contains an entry for this variant (Variation ID: 2147069). An algorithm developed to predict the effect of missense changes on protein structure and function outputs the following: PolyPhen-2: "Benign". The proline amino acid residue is found in multiple mammalian species, which suggests that this missense change does not adversely affect protein function. In summary, the available evidence is currently insufficient to determine the role of this variant in disease. Therefore, it has been classified as a Variant of Uncertain Significance.

Ambry Genetics
Classification: Uncertain significance for Inborn genetic diseases. Last evaluated: 2025-05-22. Review status: criteria provided, single submitter. Criteria: Ambry Variant Classification Scheme 2023. Collection method: clinical testing. Allele origin: germline.

NM_152618.3(BBS12):c.547A>C (p.Thr183Pro)

Gene: BBS12 (Bardet-Biedl syndrome 12; plus strand). Cytogenetic location: 4q27.
Variant type: single nucleotide variant.
Coding change: c.547A>C on transcript NM_152618.3 (MANE Select); coding-DNA position 547, A replaced by C.
Protein change: p.Thr183Pro; replaces threonine 183 with proline.
Molecular consequence: missense variant.
Genome position (GRCh38, 1-based): chr4:122,742,439, A>C. VCF-style: chr4-122742439-A-C. GRCh37 (hg19) VCF-style: chr4-123663594-A-C.
Other names: c.547A>C (NM_152618.2); c.547A>C, p.Thr183Pro (NM_001178007.2); short protein forms T183P.
Identifiers: ClinVar variation 2147069 (VCV002147069.3), dbSNP rs142330664, ClinGen allele CA3069294.
Genomic context (GRCh38, chr4:122,742,439, plus strand): 5'-GTCCCTTCAGATACTGATTTGATAGAGGAATTGCATGGTCTCAAAGATGTTGCCTCTCAA[A>C]CACTGACCATTTCCAACCTTTCTGGGAGACCTCTTAAATCATATGAATTATTTAAACCTC-3'
Protein context (NP_689831.2, residues 173-193): LHGLKDVASQ[Thr183Pro]LTISNLSGRP